The following is an entry in ClinVar:

NM_001276270.2(MBD4):c.1540T>C (p.Ser514Pro)

Gene: MBD4 (methyl-CpG binding domain 4, DNA glycosylase; minus strand). Cytogenetic location: 3q21.3.
Variant type: single nucleotide variant.
Coding change: c.1540T>C on transcript NM_001276270.2 (MANE Select); coding-DNA position 1540, T replaced by C.
Protein change: p.Ser514Pro; replaces serine 514 with proline.
Molecular consequence: missense variant.
Genome position (GRCh38, 1-based): chr3:129,433,101, A>G on the plus strand (T>C on the coding strand, the complement: MBD4 is on the minus strand). VCF-style: chr3-129433101-A-G. GRCh37 (hg19) VCF-style: chr3-129151944-A-G.
Other names: c.1558T>C, p.Ser520Pro (NM_001276271.2, NM_001276272.2, NM_003925.3); c.604T>C, p.Ser202Pro (NM_001276273.2); short protein forms S514P, S520P, S202P.
Identifiers: ClinVar variation 3698097 (VCV003698097.4).

ClinVar aggregate classification (germline): Uncertain significance. Review status: criteria provided, multiple submitters, no conflicts (2 of 4 stars). 2 submissions from 2 submitters: Uncertain significance (2). Last evaluated 2025-05-07.

Conditions:
Inborn genetic diseases. Identifiers: MedGen C0950123, MeSH D030342.

gnomAD v4.1: 3 of 1,614,090 alleles (0.00019%); highest among the groups gnomAD compares: Non-Finnish European, 0.00025%; no homozygotes.

Submissions (2):

Labcorp Genetics (formerly Invitae), Labcorp
Classification: Uncertain significance. Last evaluated: 2025-05-07. Review status: criteria provided, single submitter. Criteria: Invitae Variant Classification Sherloc (09022015). Collection method: clinical testing. Allele origin: germline.
Comment: This sequence change replaces serine, which is neutral and polar, with proline, which is neutral and non-polar, at codon 520 of the MBD4 protein (p.Ser520Pro). This variant is not present in population databases (gnomAD no frequency). This variant has not been reported in the literature in individuals affected with MBD4-related conditions. ClinVar contains an entry for this variant (Variation ID: 3698097). An algorithm developed to predict the effect of missense changes on protein structure and function (PolyPhen-2) suggests that this variant is likely to be disruptive. In summary, the available evidence is currently insufficient to determine the role of this variant in disease. Therefore, it has been classified as a Variant of Uncertain Significance.

Ambry Genetics
Classification: Uncertain significance for Inborn genetic diseases. Last evaluated: 2025-05-03. Review status: criteria provided, single submitter. Criteria: Ambry Variant Classification Scheme 2023. Collection method: clinical testing. Allele origin: germline.